The following is an entry in ClinVar:

NM_005751.5(AKAP9):c.3676G>A (p.Asp1226Asn)

Gene: AKAP9 (A-kinase anchoring protein 9; plus strand). Cytogenetic location: 7q21.2.
Variant type: single nucleotide variant.
Coding change: c.3676G>A on transcript NM_005751.5 (MANE Select); coding-DNA position 3676, G replaced by A.
Protein change: p.Asp1226Asn; replaces aspartic acid 1226 with asparagine.
Molecular consequence: missense variant.
Genome position (GRCh38, 1-based): chr7:92,016,192, G>A. VCF-style: chr7-92016192-G-A. GRCh37 (hg19) VCF-style: chr7-91645506-G-A.
Other names: c.3676G>A, p.Asp1226Asn (NM_147185.3); short protein forms D1226N.
Identifiers: ClinVar variation 1733835 (VCV001733835.5), dbSNP rs755857275, ClinGen allele CA4336367.

ClinVar aggregate classification (germline): Uncertain significance. Review status: criteria provided, multiple submitters, no conflicts (2 of 4 stars). 2 submissions from 2 submitters: Uncertain significance (2). Last evaluated 2025-01-28.

Conditions:
Cardiovascular phenotype. Identifiers: MedGen CN230736.
Long QT syndrome (LQTS). Identifiers: MedGen C0023976, MeSH D008133, MONDO:0002442. Disease mechanism: loss of function. Inheritance: Various modes of inheritance.

Allele frequency attached by ClinVar (database versions not stated): ExAC 0.00001.
gnomAD v4.1: 11 of 1,590,124 alleles (0.00069%); highest among the groups gnomAD compares: Non-Finnish European, 0.00095%; no homozygotes.

Submissions (2):

Ambry Genetics
Classification: Uncertain significance for Cardiovascular phenotype. Last evaluated: 2025-01-28. Review status: criteria provided, single submitter. Criteria: Ambry Variant Classification Scheme 2023. Collection method: clinical testing. Allele origin: germline.
Comment: The p.D1226N variant (also known as c.3676G>A), located in coding exon 11 of the AKAP9 gene, results from a G to A substitution at nucleotide position 3676. The aspartic acid at codon 1226 is replaced by asparagine, an amino acid with highly similar properties. This amino acid position is poorly conserved in available vertebrate species. In addition, this alteration is predicted to be tolerated by in silico analysis. Since supporting evidence is limited at this time, the clinical significance of this alteration remains unclear.

Labcorp Genetics (formerly Invitae), Labcorp
Classification: Uncertain significance for Long QT syndrome. Last evaluated: 2024-12-04. Review status: criteria provided, single submitter. Criteria: Invitae Variant Classification Sherloc (09022015). Collection method: clinical testing. Allele origin: germline.
Comment: This sequence change replaces aspartic acid, which is acidic and polar, with asparagine, which is neutral and polar, at codon 1226 of the AKAP9 protein (p.Asp1226Asn). This variant is present in population databases (rs755857275, gnomAD 0.0009%). This variant has not been reported in the literature in individuals affected with AKAP9-related conditions. ClinVar contains an entry for this variant (Variation ID: 1733835). An algorithm developed to predict the effect of missense changes on protein structure and function outputs the following: PolyPhen-2: "Benign". The asparagine amino acid residue is found in multiple mammalian species, which suggests that this missense change does not adversely affect protein function. In summary, the available evidence is currently insufficient to determine the role of this variant in disease. Therefore, it has been classified as a Variant of Uncertain Significance.